The following is an entry in ClinVar:

NM_001286.5(CLCN6):c.27C>T (p.Cys9=)

Gene: CLCN6 (chloride voltage-gated channel 6; plus strand). Cytogenetic location: 1p36.22.
Variant type: single nucleotide variant.
Coding change: c.27C>T on transcript NM_001286.5 (MANE Select); coding-DNA position 27, C replaced by T.
Protein change: p.Cys9=; no amino-acid change (cysteine 9 retained).
Molecular consequence: synonymous variant. On other transcripts: non-coding transcript variant (1).
Genome position (GRCh38, 1-based): chr1:11,806,289, C>T. VCF-style: chr1-11806289-C-T. GRCh37 (hg19) VCF-style: chr1-11866346-C-T.
Other names: c.27C>T, p.Cys9= (NM_001256959.2).
Identifiers: ClinVar variation 3692758 (VCV003692758.2).

ClinVar aggregate classification (germline): Uncertain significance (1 of 4 stars; one submission).

gnomAD v4.1: 1 of 1,506,230 alleles (0.000066%); highest among the groups gnomAD compares: Non-Finnish European, 0.000088%; no homozygotes.

Submission:

Labcorp Genetics (formerly Invitae), Labcorp
Classification: Uncertain significance. Last evaluated: 2024-05-23. Review status: criteria provided, single submitter. Criteria: Invitae Variant Classification Sherloc (09022015). Collection method: clinical testing. Allele origin: germline.
Comment: This sequence change affects codon 9 of the CLCN6 mRNA. It is a 'silent' change, meaning that it does not change the encoded amino acid sequence of the CLCN6 protein. This variant is not present in population databases (gnomAD no frequency). This variant has not been reported in the literature in individuals affected with CLCN6-related conditions. Algorithms developed to predict the effect of sequence changes on RNA splicing suggest that this variant may create or strengthen a splice site. In summary, the available evidence is currently insufficient to determine the role of this variant in disease. Therefore, it has been classified as a Variant of Uncertain Significance.